The following is an entry in ClinVar:

ClinVar aggregate classification (germline): Uncertain significance (1 of 4 stars; one submission).

Allele frequency attached by ClinVar (database versions not stated): gnomAD exomes below 0.00001; TOPMed 0.00002.

Submission:

Labcorp Genetics (formerly Invitae), Labcorp
Classification: Uncertain significance. Last evaluated: 2023-07-10. Review status: criteria provided, single submitter. Criteria: Invitae Variant Classification Sherloc (09022015). Collection method: clinical testing. Allele origin: germline.
Comment: This sequence change replaces aspartic acid, which is acidic and polar, with asparagine, which is neutral and polar, at codon 414 of the PKDCC protein (p.Asp414Asn). This variant is not present in population databases (gnomAD no frequency). This variant has not been reported in the literature in individuals affected with PKDCC-related conditions. ClinVar contains an entry for this variant (Variation ID: 2187139). An algorithm developed to predict the effect of missense changes on protein structure and function (PolyPhen-2) suggests that this variant¬†is likely to be tolerated. In summary, the available evidence is currently insufficient to determine the role of this variant in disease. Therefore, it has been classified as a Variant of Uncertain Significance.

NM_138370.3(PKDCC):c.1240G>A (p.Asp414Asn)

Gene: PKDCC (protein kinase domain containing, cytoplasmic; plus strand). Cytogenetic location: 2p21.
Variant type: single nucleotide variant.
Coding change: c.1240G>A on transcript NM_138370.3 (MANE Select); coding-DNA position 1240, G replaced by A.
Protein change: p.Asp414Asn; replaces aspartic acid 414 with asparagine.
Molecular consequence: missense variant.
Genome position (GRCh38, 1-based): chr2:42,057,238, G>A. VCF-style: chr2-42057238-G-A. GRCh37 (hg19) VCF-style: chr2-42284378-G-A.
Other names: short protein forms D414N.
Identifiers: ClinVar variation 2187139 (VCV002187139.3), dbSNP rs773853665, ClinGen allele CA346624862.
Genomic context (GRCh38, chr2:42,057,238, plus strand): 5'-TGGGCATACAGAATTCTCATTTTACTCCATCCCCAACCCACAGAGTACCAGTGTATCCCA[G>A]ACAGCACCATCCCCCAGGAAGACTACCGCTGCTGGCCATCCTACCACCACGGGAGCTGCC-3'
Protein context (NP_612379.2, residues 404-424): SSSTEYQCIP[Asp414Asn]STIPQEDYRC